The following is an entry in ClinVar:

NM_020822.3(KCNT1):c.1100G>A (p.Arg367His)

Gene: KCNT1 (potassium sodium-activated channel subfamily T member 1; plus strand). Cytogenetic location: 9q34.3.
Variant type: single nucleotide variant.
Coding change: c.1100G>A on transcript NM_020822.3 (MANE Select); coding-DNA position 1100, G replaced by A.
Protein change: p.Arg367His; replaces arginine 367 with histidine.
Molecular consequence: missense variant.
Genome position (GRCh38, 1-based): chr9:135,765,095, G>A. VCF-style: chr9-135765095-G-A. GRCh37 (hg19) VCF-style: chr9-138656941-G-A.
Other names: c.965G>A, p.Arg322His (NM_001272003.2); short protein forms R322H, R367H.
Identifiers: ClinVar variation 2083611 (VCV002083611.4), dbSNP rs1400096269, ClinGen allele CA375500058.

ClinVar aggregate classification (germline): Uncertain significance (1 of 4 stars; one submission).

Conditions:
Autosomal dominant nocturnal frontal lobe epilepsy 5. Also called: CILIARY DYSKINESIA, PRIMARY, 28, WITHOUT SITUS INVERSUS; CILIARY DYSKINESIA, PRIMARY, 28, WITH SITUS INVERSUS; Epilepsy, nocturnal frontal lobe, 5; KCNT1-Related Epilepsy. Identifiers: Orphanet 98784, MedGen C3554306, MONDO:0014002, OMIM 615005.
Developmental and epileptic encephalopathy, 14 (DEE14). Also called: Early infantile epileptic encephalopathy 14. Identifiers: Orphanet 293181, MedGen C3554195, MONDO:0013989, OMIM 614959.

Allele frequency attached by ClinVar (database versions not stated): gnomAD exomes 0.00001; TOPMed 0.00001; gnomAD 0.00002.
gnomAD v4.1: 18 of 1,613,334 alleles (0.0011%); highest among the groups gnomAD compares: African/African-American, 0.0013%; no homozygotes.

Submission:

Labcorp Genetics (formerly Invitae), Labcorp
Classification: Uncertain significance for Autosomal dominant nocturnal frontal lobe epilepsy 5; Developmental and epileptic encephalopathy, 14. Last evaluated: 2023-06-04. Review status: criteria provided, single submitter. Criteria: Invitae Variant Classification Sherloc (09022015). Collection method: clinical testing. Allele origin: germline.
Comment: In summary, the available evidence is currently insufficient to determine the role of this variant in disease. Therefore, it has been classified as a Variant of Uncertain Significance. Advanced modeling of protein sequence and biophysical properties (such as structural, functional, and spatial information, amino acid conservation, physicochemical variation, residue mobility, and thermodynamic stability) performed at Invitae indicates that this missense variant is not expected to disrupt KCNT1 protein function. ClinVar contains an entry for this variant (Variation ID: 2083611). This variant has not been reported in the literature in individuals affected with KCNT1-related conditions. This variant is present in population databases (no rsID available, gnomAD 0.003%). This sequence change replaces arginine, which is basic and polar, with histidine, which is basic and polar, at codon 367 of the KCNT1 protein (p.Arg367His).